The following is an entry in ClinVar:

ClinVar aggregate classification (germline): Uncertain significance. Review status: criteria provided, multiple submitters, no conflicts (2 of 4 stars). 2 submissions from 2 submitters: Uncertain significance (2). Last evaluated 2022-06-16.

Conditions:
Inborn genetic diseases. Identifiers: MedGen C0950123, MeSH D030342.
Hermansky-Pudlak syndrome 2 (HPS2). Also called: Platelet defects and oculocutaneous albinism. Identifiers: Orphanet 183678, Orphanet 79430, MedGen C1842362, MONDO:0011997, OMIM 608233.

Allele frequency attached by ClinVar (database versions not stated): gnomAD exomes 0.00007 and 0.00002; TOPMed 0.00001; ExAC 0.00003.
gnomAD v4.1: 24 of 1,605,334 alleles (0.0015%); highest among the groups gnomAD compares: East Asian, 0.049%; no homozygotes.

Submissions (2):

Ambry Genetics
Classification: Uncertain significance for Inborn genetic diseases. Last evaluated: 2022-06-16. Review status: criteria provided, single submitter. Criteria: Ambry Variant Classification Scheme 2023. Collection method: clinical testing. Allele origin: germline.

Labcorp Genetics (formerly Invitae), Labcorp
Classification: Uncertain significance for Hermansky-Pudlak syndrome 2. Last evaluated: 2021-08-24. Review status: criteria provided, single submitter. Criteria: Invitae Variant Classification Sherloc (09022015). Collection method: clinical testing. Allele origin: germline.
Comment: This sequence change replaces glycine with serine at codon 927 of the AP3B1 protein (p.Gly927Ser). The glycine residue is moderately conserved and there is a small physicochemical difference between glycine and serine. The frequency data for this variant in the population databases is considered unreliable, as metrics indicate poor data quality at this position in the ExAC database. This variant has not been reported in the literature in individuals affected with AP3B1-related conditions. Algorithms developed to predict the effect of missense changes on protein structure and function are either unavailable or do not agree on the potential impact of this missense change (SIFT: "Tolerated"; PolyPhen-2: "Possibly Damaging"; Align-GVGD: "Class C0"). In summary, the available evidence is currently insufficient to determine the role of this variant in disease. Therefore, it has been classified as a Variant of Uncertain Significance.

NM_003664.5(AP3B1):c.2779G>A (p.Gly927Ser)

Gene: AP3B1 (adaptor related protein complex 3 subunit beta 1; minus strand). Cytogenetic location: 5q14.1.
Variant type: single nucleotide variant.
Coding change: c.2779G>A on transcript NM_003664.5 (MANE Select); coding-DNA position 2779, G replaced by A.
Protein change: p.Gly927Ser; replaces glycine 927 with serine.
Molecular consequence: missense variant.
Genome position (GRCh38, 1-based): chr5:78,039,073, C>T on the plus strand (G>A on the coding strand, the complement: AP3B1 is on the minus strand). VCF-style: chr5-78039073-C-T. GRCh37 (hg19) VCF-style: chr5-77334897-C-T.
Other names: c.2779G>A (NM_003664.3); c.2632G>A, p.Gly878Ser (NM_001271769.2); short protein forms G927S, G878S.
Identifiers: ClinVar variation 580677 (VCV000580677.6), dbSNP rs746205404, ClinGen allele CA3316683.